The following is an entry in ClinVar:

NM_000153.4(GALC):c.1162-1G>A

Gene: GALC (galactosylceramidase; minus strand). Cytogenetic location: 14q31.3.
Variant type: single nucleotide variant.
Coding change: c.1162-1G>A on transcript NM_000153.4 (MANE Select); the canonical splice acceptor site of the intron before coding-DNA position 1162, G replaced by A.
Molecular consequence: splice acceptor variant.
Genome position (GRCh38, 1-based): chr14:87,950,749, C>T on the plus strand (G>A on the coding strand, the complement: GALC is on the minus strand). VCF-style: chr14-87950749-C-T. GRCh37 (hg19) VCF-style: chr14-88417093-C-T.
Other names: c.1084-1G>A (NM_001201402.2); c.1093-1G>A (NM_001201401.2).
Identifiers: ClinVar variation 2032316 (VCV002032316.4), dbSNP rs2503376595, ClinGen allele CA390747106.
Genomic context (GRCh38, chr14:87,950,749, plus strand): 5'-TTGTTGTGACACATTGAAATAAGGAAGAAATGGCCGTATGCACTTAGAATGTTTATGACT[C>T]TGAAAAAAAAAAATCACATACATTATCCAAATGATGTATAAGCTACCTTAGGGGAAAAAA-3'

ClinVar aggregate classification (germline): Likely pathogenic (1 of 4 stars; one submission).

Conditions:
Galactosylceramide beta-galactosidase deficiency. Also called: Krabbe Disease; Leukodystrophy, Globoid Cell; GALACTOCEREBROSIDASE DEFICIENCY; GALC DEFICIENCY; GLOBOID CELL LEUKOENCEPHALOPATHY. Identifiers: Orphanet 487, MedGen C0023521, MONDO:0009499, OMIM 245200.

Submission:

Labcorp Genetics (formerly Invitae), Labcorp
Classification: Likely pathogenic for Galactosylceramide beta-galactosidase deficiency. Last evaluated: 2022-09-23. Review status: criteria provided, single submitter. Criteria: Invitae Variant Classification Sherloc (09022015). Collection method: clinical testing. Allele origin: germline.
Comment: In summary, the currently available evidence indicates that the variant is pathogenic, but additional data are needed to prove that conclusively. Therefore, this variant has been classified as Likely Pathogenic. Algorithms developed to predict the effect of sequence changes on RNA splicing suggest that this variant may disrupt the consensus splice site. This variant has not been reported in the literature in individuals affected with GALC-related conditions. This variant is not present in population databases (gnomAD no frequency). This sequence change affects an acceptor splice site in intron 10 of the GALC gene. It is expected to disrupt RNA splicing. Variants that disrupt the donor or acceptor splice site typically lead to a loss of protein function (PMID: 16199547), and loss-of-function variants in GALC are known to be pathogenic (PMID: 7437911, 9272171, 16607461).

Literature cited by the submitters: PubMed 16199547; PubMed 7437911; PubMed 9272171; PubMed 16607461.